The following is an entry in ClinVar:

NM_001631.5(ALPI):c.20T>C (p.Leu7Pro)

Gene: ALPI (alkaline phosphatase, intestinal; plus strand). Cytogenetic location: 2q37.1.
Variant type: single nucleotide variant.
Coding change: c.20T>C on transcript NM_001631.5 (MANE Select); coding-DNA position 20, T replaced by C.
Protein change: p.Leu7Pro; replaces leucine 7 with proline.
Molecular consequence: missense variant.
Genome position (GRCh38, 1-based): chr2:232,456,219, T>C. VCF-style: chr2-232456219-T-C. GRCh37 (hg19) VCF-style: chr2-233320929-T-C.
Other names: c.20T>C (NM_001631.4); short protein forms L7P.
Identifiers: ClinVar variation 3113241 (VCV003113241.2), dbSNP rs146003610, ClinGen allele CA2166205.

ClinVar aggregate classification (germline): Uncertain significance. Review status: criteria provided, single submitter (1 of 4 stars). 2 submissions from 2 submitters: Uncertain significance (1). 1 of the submissions does not count toward it. Last evaluated 2024-01-09.

Conditions:
ALPI-related disorder. Also called: ALPI-related condition.

Allele frequency attached by ClinVar (database versions not stated): gnomAD exomes 0.00004; ExAC 0.00005; 1000 Genomes Project 30x 0.00016; 1000 Genomes Project 0.00020; ESP Exome Variant Server 0.00023; gnomAD 0.00031; TOPMed 0.00033.
gnomAD v4.1: 101 of 1,613,728 alleles (0.0063%); highest among the groups gnomAD compares: African/African-American, 0.11%; 1 homozygote.

Submissions (2):

Ambry Genetics
Classification: Uncertain significance. Last evaluated: 2024-01-09. Review status: criteria provided, single submitter. Criteria: Ambry Variant Classification Scheme 2023. Collection method: clinical testing. Allele origin: germline.

PreventionGenetics, part of Exact Sciences
Classification: Uncertain significance for ALPI-related condition. Last evaluated: 2024-08-29. Review status: no assertion criteria provided. Collection method: clinical testing. Allele origin: germline. Not counted in ClinVar's aggregate classification.
Comment: The ALPI c.20T>C variant is predicted to result in the amino acid substitution p.Leu7Pro. To our knowledge, this variant has not been reported in the literature. This variant is reported in 0.084% of alleles in individuals of African descent in gnomAD. Although we suspect that this variant may be benign, at this time, the clinical significance of this variant is uncertain due to the absence of conclusive functional and genetic evidence.